The following is an entry in ClinVar:

NM_004260.4(RECQL4):c.1652C>T (p.Ala551Val)

Gene: RECQL4 (RecQ like helicase 4; minus strand). Cytogenetic location: 8q24.3.
Variant type: single nucleotide variant.
Coding change: c.1652C>T on transcript NM_004260.4 (MANE Select); coding-DNA position 1652, C replaced by T.
Protein change: p.Ala551Val; replaces alanine 551 with valine.
Molecular consequence: missense variant.
Genome position (GRCh38, 1-based): chr8:144,514,494, G>A on the plus strand (C>T on the coding strand, the complement: RECQL4 is on the minus strand). VCF-style: chr8-144514494-G-A. GRCh37 (hg19) VCF-style: chr8-145739878-G-A.
Other names: short protein forms A551V.
Identifiers: ClinVar variation 135127 (VCV000135127.11), dbSNP rs587778643, ClinGen allele CA161811.

ClinVar aggregate classification (germline): Uncertain significance. Review status: criteria provided, multiple submitters, no conflicts (2 of 4 stars). 3 submissions from 3 submitters: Uncertain significance (2). 1 of the submissions does not count toward it. Last evaluated 2025-11-17.

Conditions:
Inborn genetic diseases. Identifiers: MedGen C0950123, MeSH D030342.
Baller-Gerold syndrome (BGS). Also called: CRANIOSYNOSTOSIS WITH RADIAL DEFECTS. Identifiers: Orphanet 1225, MedGen C0265308, MONDO:0009039, OMIM 218600.

Allele frequency attached by ClinVar (database versions not stated): gnomAD 0.00001; TOPMed 0.00001.

Submissions (3):

Labcorp Genetics (formerly Invitae), Labcorp
Classification: Uncertain significance for Baller-Gerold syndrome. Last evaluated: 2025-11-17. Review status: criteria provided, single submitter. Criteria: Invitae Variant Classification Sherloc (09022015). Collection method: clinical testing. Allele origin: germline.
Comment: This sequence change replaces alanine, which is neutral and non-polar, with valine, which is neutral and non-polar, at codon 551 of the RECQL4 protein (p.Ala551Val). This variant is present in population databases (rs587778643, gnomAD 0.02%). This variant has not been reported in the literature in individuals affected with RECQL4-related conditions. ClinVar contains an entry for this variant (Variation ID: 135127). Invitae Evidence Modeling of protein sequence and biophysical properties (such as structural, functional, and spatial information, amino acid conservation, physicochemical variation, residue mobility, and thermodynamic stability) indicates that this missense variant is not expected to disrupt RECQL4 protein function with a negative predictive value of 80%. In summary, the available evidence is currently insufficient to determine the role of this variant in disease. Therefore, it has been classified as a Variant of Uncertain Significance.

Ambry Genetics
Classification: Uncertain significance for Inborn genetic diseases. Last evaluated: 2025-04-04. Review status: criteria provided, single submitter. Criteria: Ambry Variant Classification Scheme 2023. Collection method: clinical testing. Allele origin: germline.

ITMI
No classification provided. Condition: AllHighlyPenetrant. Last evaluated: 2013-09-19. Review status: no classification provided. Collection method: reference population. Allele origin: germline. Not counted in ClinVar's aggregate classification.
Comment: Please see associated publication for description of ethnicities

Literature cited by the submitters: PubMed 24728327 (cited by ITMI).